The following is an entry in ClinVar:

NM_000179.3(MSH6):c.1249_1252del (p.Lys417fs)

Gene: MSH6 (mutS homolog 6; plus strand). Cytogenetic location: 2p16.3.
Variant type: Deletion.
Coding change: c.1249_1252del on transcript NM_000179.3 (MANE Select); coding-DNA positions 1249 to 1252, 4 bases deleted (AAGT; older notation c.1249_1252delAAGT).
Protein change: p.Lys417fs; shifts the reading frame from lysine 417.
Molecular consequence: frameshift variant. On other transcripts: non-coding transcript variant (4), intron variant (1).
Genome position (GRCh38, 1-based): chr2:47,799,232-47,799,235, AAGT deleted; deleting any 4 consecutive bases within chr2:47,799,231-47,799,235 gives the same sequence; the c. name uses the placement nearest the transcript's 3' end. VCF-style (leftmost placement, unchanged base first): chr2-47799230-TTAAG-T. GRCh37 (hg19) VCF-style: chr2-48026369-TTAAG-T.
Other names: c.724_727del, p.Lys242fs (NM_001406799.1, NM_001406806.1, NM_001406807.1); c.1249_1252del, p.Lys417fs (NM_001406800.1, NM_001406803.1, NM_001406796.1 and 4 more transcripts); c.952_955del, p.Lys318fs (NM_001406801.1, NM_001406805.1, NM_001406818.1 and 10 more transcripts); c.1345_1348del, p.Lys449fs (NM_001406802.1, NM_001406795.1); c.1171_1174del, p.Lys391fs (NM_001406804.1); c.343_346del, p.Lys115fs (NM_001406823.1, NM_001406829.1, NM_001281493.2 and 6 more transcripts); c.1081_1084del, p.Lys361fs (NM_001406826.1); c.628-1434_628-1431del (NM_001407362.1); and 3 more; short protein forms K115fs, K242fs, K287fs, K318fs, K361fs, K391fs, K417fs, K419fs.
Identifiers: ClinVar variation 2690645 (VCV002690645.5), dbSNP rs2530599052, ClinGen allele CA2697548131.

ClinVar aggregate classification (germline): Pathogenic/Likely pathogenic. Review status: criteria provided, multiple submitters, no conflicts (2 of 4 stars). 2 submissions from 2 submitters: Pathogenic (1); Likely pathogenic (1). Last evaluated 2023-09-01.

Conditions:
Hereditary nonpolyposis colorectal neoplasms. Identifiers: MedGen C0009405, MeSH D003123.

Submissions (2):

Labcorp Genetics (formerly Invitae), Labcorp
Classification: Pathogenic for Hereditary nonpolyposis colorectal neoplasms. Last evaluated: 2023-09-01. Review status: criteria provided, single submitter. Criteria: Invitae Variant Classification Sherloc (09022015). Collection method: clinical testing. Allele origin: germline.
Comment: For these reasons, this variant has been classified as Pathogenic. This variant has not been reported in the literature in individuals affected with MSH6-related conditions. This variant is not present in population databases (gnomAD no frequency). This sequence change creates a premature translational stop signal (p.Lys417Leufs*35) in the MSH6 gene. It is expected to result in an absent or disrupted protein product. Loss-of-function variants in MSH6 are known to be pathogenic (PMID: 18269114, 24362816).

Revvity Omics, Revvity
Classification: Likely pathogenic. Last evaluated: 2023-03-03. Review status: criteria provided, single submitter. Criteria: ACMG Guidelines, 2015. Collection method: clinical testing. Allele origin: germline.

Literature cited by the submitters: PubMed 18269114 (cited by Labcorp Genetics (formerly Invitae), Labcorp); PubMed 24362816 (cited by Labcorp Genetics (formerly Invitae), Labcorp).